The following is an entry in ClinVar:

NM_020361.5(CPA6):c.380A>G (p.Asn127Ser)

Gene: CPA6 (carboxypeptidase A6; minus strand). Cytogenetic location: 8q13.2.
Variant type: single nucleotide variant.
Coding change: c.380A>G on transcript NM_020361.5 (MANE Select); coding-DNA position 380, A replaced by G.
Protein change: p.Asn127Ser; replaces asparagine 127 with serine.
Molecular consequence: missense variant.
Genome position (GRCh38, 1-based): chr8:67,511,593, T>C on the plus strand (A>G on the coding strand, the complement: CPA6 is on the minus strand). VCF-style: chr8-67511593-T-C. GRCh37 (hg19) VCF-style: chr8-68423828-T-C.
Other names: short protein forms N127S.
Identifiers: ClinVar variation 948201 (VCV000948201.9), dbSNP rs1812043338, ClinGen allele CA371261827.

ClinVar aggregate classification (germline): Uncertain significance (1 of 4 stars; one submission).

Conditions:
Febrile seizures, familial, 11 (FEB11). Also called: CONVULSIONS, FAMILIAL FEBRILE, 11. Identifiers: MedGen C3280734, MONDO:0024566, OMIM 614418.

Allele frequency attached by ClinVar (database versions not stated): gnomAD exomes below 0.00001.
gnomAD v4.1: 1 of 1,612,634 alleles (0.000062%); highest among the groups gnomAD compares: Non-Finnish European, 0.000085%; no homozygotes.

Submission:

Labcorp Genetics (formerly Invitae), Labcorp
Classification: Uncertain significance for Febrile seizures, familial, 11. Last evaluated: 2019-04-16. Review status: criteria provided, single submitter. Criteria: Invitae Variant Classification Sherloc (09022015). Collection method: clinical testing. Allele origin: germline.
Comment: In summary, the available evidence is currently insufficient to determine the role of this variant in disease. Therefore, it has been classified as a Variant of Uncertain Significance. Algorithms developed to predict the effect of missense changes on protein structure and function output the following: SIFT: "Tolerated"; PolyPhen-2: "Benign"; Align-GVGD: "Class C0". The serine amino acid residue is found in multiple mammalian species, suggesting that this missense change does not adversely affect protein function. These predictions have not been confirmed by published functional studies and their clinical significance is uncertain. This variant has not been reported in the literature in individuals with CPA6-related conditions. This variant is not present in population databases (ExAC no frequency). This sequence change replaces asparagine with serine at codon 127 of the CPA6 protein (p.Asn127Ser). The asparagine residue is moderately conserved and there is a small physicochemical difference between asparagine and serine.